The following is an entry in ClinVar:

NM_000466.3(PEX1):c.1587+6A>G

Gene: PEX1 (peroxisomal biogenesis factor 1; minus strand). Cytogenetic location: 7q21.2.
Variant type: single nucleotide variant.
Coding change: c.1587+6A>G on transcript NM_000466.3 (MANE Select); 6 bases into the intron after coding-DNA position 1587, A replaced by G.
Molecular consequence: intron variant.
Genome position (GRCh38, 1-based): chr7:92,510,938, T>C on the plus strand (A>G on the coding strand, the complement: PEX1 is on the minus strand). VCF-style: chr7-92510938-T-C. GRCh37 (hg19) VCF-style: chr7-92140252-T-C.
Other names: c.1587+6A>G (NM_001282677.2); c.963+6A>G (NM_001282678.2).
Identifiers: ClinVar variation 1926648 (VCV001926648.2), dbSNP rs2484685575, ClinGen allele CA2580078157.

ClinVar aggregate classification (germline): Uncertain significance (1 of 4 stars; one submission).

Conditions:
Zellweger spectrum disorders (ZS). Also called: Zellweger Spectrum Disorder; Zellweger Spectrum; Zellweger syndrome; Zellweger Spectrum Disorder (ZSD). Identifiers: Orphanet 912, MedGen C0043459, MONDO:0019609.

Submission:

Labcorp Genetics (formerly Invitae), Labcorp
Classification: Uncertain significance for Zellweger spectrum disorders. Last evaluated: 2022-08-10. Review status: criteria provided, single submitter. Criteria: Invitae Variant Classification Sherloc (09022015). Collection method: clinical testing. Allele origin: germline.
Comment: This sequence change falls in intron 8 of the PEX1 gene. It does not directly change the encoded amino acid sequence of the PEX1 protein. It affects a nucleotide within the consensus splice site. This variant is not present in population databases (gnomAD no frequency). This variant has not been reported in the literature in individuals affected with PEX1-related conditions. Variants that disrupt the consensus splice site are a relatively common cause of aberrant splicing (PMID: 17576681, 9536098). Algorithms developed to predict the effect of sequence changes on RNA splicing suggest that this variant is not likely to affect RNA splicing. In summary, the available evidence is currently insufficient to determine the role of this variant in disease. Therefore, it has been classified as a Variant of Uncertain Significance.

Literature cited by the submitters: PubMed 17576681; PubMed 9536098.